The following is an entry in ClinVar:

NM_001330.5(CTF1):c.469G>A (p.Ala157Thr)

Genes: CTF1 (cardiotrophin 1; plus strand), LOC130058878 (ATAC-STARR-seq lymphoblastoid silent region 7400; plus strand). Cytogenetic location: 16p11.2.
Variant type: single nucleotide variant.
Coding change: c.469G>A on transcript NM_001330.5 (MANE Select); coding-DNA position 469, G replaced by A.
Protein change: p.Ala157Thr; replaces alanine 157 with threonine.
Molecular consequence: missense variant. On other transcripts: non-coding transcript variant (1).
Genome position (GRCh38, 1-based): chr16:30,902,402, G>A. VCF-style: chr16-30902402-G-A. GRCh37 (hg19) VCF-style: chr16-30913723-G-A.
Other names: c.466G>A, p.Ala156Thr (NM_001142544.3); short protein forms A157T, A156T.
Identifiers: ClinVar variation 228544 (VCV000228544.12), dbSNP rs876657768, ClinGen allele CA10577008.
Genomic context (GRCh38, chr16:30,902,402, plus strand): 5'-GAGGCCTTGCTGGCCGCGCTGGGCGCCGCCAACCGCGGGCCCCGGGCCGAGCCCCCCGCC[G>A]CCACCGCCTCAGCCGCCTCCGCCACCGGGGTCTTCCCCGCCAAGGTGCTGGGGCTCCGCG-3'
Protein context (NP_001321.1, residues 147-167): NRGPRAEPPA[Ala157Thr]TASAASATGV

ClinVar aggregate classification (germline): Uncertain significance. Review status: criteria provided, multiple submitters, no conflicts (2 of 4 stars). 3 submissions from 3 submitters: Uncertain significance (3). Last evaluated 2026-01-06.

Allele frequency attached by ClinVar (database versions not stated): gnomAD 0.00003; gnomAD exomes 0.00001; TOPMed 0.00001.
gnomAD v4.1: 14 of 1,273,876 alleles (0.0011%); highest among the groups gnomAD compares: Middle Eastern, 0.06%; no homozygotes.

Submissions (3):

Labcorp Genetics (formerly Invitae), Labcorp
Classification: Uncertain significance. Last evaluated: 2026-01-06. Review status: criteria provided, single submitter. Criteria: Invitae Variant Classification Sherloc (09022015). Collection method: clinical testing. Allele origin: germline.
Comment: This sequence change replaces alanine, which is neutral and non-polar, with threonine, which is neutral and polar, at codon 157 of the CTF1 protein (p.Ala157Thr). This variant is present in population databases (no rsID available, gnomAD 0.02%). This variant has not been reported in the literature in individuals affected with CTF1-related conditions. ClinVar contains an entry for this variant (Variation ID: 228544). An algorithm developed to predict the effect of missense changes on protein structure and function outputs the following: PolyPhen-2: "Possibly Damaging". The threonine amino acid residue is found in multiple mammalian species, which suggests that this missense change does not adversely affect protein function. In summary, the available evidence is currently insufficient to determine the role of this variant in disease. Therefore, it has been classified as a Variant of Uncertain Significance.

Laboratory for Molecular Medicine, Mass General Brigham Personalized Medicine
Classification: Uncertain significance. Last evaluated: 2024-03-06. Review status: criteria provided, single submitter. Criteria: ACMG Guidelines, 2015. Collection method: clinical testing. Allele origin: germline.
Comment: proposed classification - variant undergoing re-assessment, contact laboratory

Breakthrough Genomics
Classification: Uncertain significance. Review status: criteria provided, single submitter. Criteria: ACMG Guidelines, 2015. Collection method: not provided. Allele origin: germline. Inheritance: Unknown mechanism. Affected: yes.